The following is an entry in ClinVar:

ClinVar aggregate classification (germline): Benign. Review status: criteria provided, multiple submitters, no conflicts (2 of 4 stars). 3 submissions from 3 submitters: Benign (2). 1 of the submissions does not count toward it. Last evaluated 2021-05-10.

Conditions:
CFH-related disorder. Also called: CFH-related disorders; CFH-related condition.

Allele frequency attached by ClinVar (database versions not stated): gnomAD 0.21921 and 0.22813; TOPMed 0.23245; 1000 Genomes Project 30x 0.25828; 1000 Genomes Project 0.26238; gnomAD exomes 0.28277.

Submissions (3):

GeneDx
Classification: Benign. Last evaluated: 2021-05-10. Review status: criteria provided, single submitter. Criteria: GeneDx Variant Classification Process June 2021. Collection method: clinical testing. Allele origin: germline. Affected: yes.
Comment: This variant is associated with the following publications: (PMID: 14583443, 21868097)

Breakthrough Genomics
Classification: Benign. Review status: criteria provided, single submitter. Criteria: ACMG Guidelines, 2015. Collection method: not provided. Allele origin: germline. Inheritance: Autosomal recessive inheritance. Affected: yes.

PreventionGenetics, part of Exact Sciences
Classification: Benign for CFH-related condition. Last evaluated: 2021-03-06. Review status: no assertion criteria provided. Collection method: clinical testing. Allele origin: germline. Not counted in ClinVar's aggregate classification.
Comment: This variant is classified as benign based on ACMG/AMP sequence variant interpretation guidelines (Richards et al. 2015 PMID: 25741868, with internal and published modifications).

NC_000001.11:g.196651787C>T

Gene: CFH (complement factor H; plus strand). Cytogenetic location: 1q31.3.
Variant type: single nucleotide variant.
Genome position: GRCh38 VCF-style: chr1-196651787-C-T. GRCh37 (hg19) VCF-style: chr1-196620917-C-T.
Identifiers: ClinVar variation 1249325 (VCV001249325.6), dbSNP rs3753394, ClinGen allele CA10821104.